The following is an entry in ClinVar:

ClinVar aggregate classification (germline): Conflicting classifications of pathogenicity. Review status: criteria provided, conflicting classifications (1 of 4 stars). 3 submissions from 3 submitters: Likely pathogenic (1); Uncertain significance (2). Last evaluated 2026-01-28.

Conditions:
Fanconi anemia complementation group J. Also called: BRIP1-Related Fanconi Anemia. Identifiers: Orphanet 84, MedGen C1836860, MONDO:0012187, OMIM 609054.
Familial cancer of breast. Also called: BREAST CANCER, FAMILIAL; hereditary breast carcinoma; Hereditary breast cancer. Identifiers: Orphanet 227535, MedGen C0346153, MONDO:0016419, OMIM 114480. Disease mechanism: loss of function.
Hereditary cancer-predisposing syndrome. Also called: Neoplastic Syndromes, Hereditary; Hereditary neoplastic syndrome; Tumor predisposition; Hereditary Cancer Syndrome. Identifiers: Orphanet 140162, MedGen C0027672, MeSH D009386, MONDO:0015356.

Allele frequency attached by ClinVar (database versions not stated): gnomAD exomes below 0.00001; gnomAD 0.00001; TOPMed 0.00001.
gnomAD v4.1: 2 of 1,614,064 alleles (0.00012%); highest among the groups gnomAD compares: African/African-American, 0.0013%; no homozygotes.

Submissions (3):

Labcorp Genetics (formerly Invitae), Labcorp
Classification: Uncertain significance for Familial cancer of breast; Fanconi anemia complementation group J. Last evaluated: 2026-01-28. Review status: criteria provided, single submitter. Criteria: Invitae Variant Classification Sherloc (09022015). Collection method: clinical testing. Allele origin: germline.
Comment: This sequence change creates a premature translational stop signal (p.Leu1077*) in the BRIP1 gene. While this is not anticipated to result in nonsense mediated decay, it is expected to disrupt the last 173 amino acid(s) of the BRIP1 protein. This variant is not present in population databases (gnomAD no frequency). This variant has not been reported in the literature in individuals affected with BRIP1-related conditions. ClinVar contains an entry for this variant (Variation ID: 530304). In summary, the available evidence is currently insufficient to determine the role of this variant in disease. Therefore, it has been classified as a Variant of Uncertain Significance.

Ambry Genetics
Classification: Uncertain significance for Hereditary cancer-predisposing syndrome. Last evaluated: 2025-04-23. Review status: criteria provided, single submitter. Criteria: Ambry Variant Classification Scheme 2023. Collection method: clinical testing. Allele origin: germline.
Comment: The p.L1077* variant (also known as c.3230T>G), located in coding exon 19 of the BRIP1 gene, results from a T to G substitution at nucleotide position 3230. This changes the amino acid from a leucine to a stop codon within coding exon 19. This stop codon occurs near the 3' terminus of BRIP1, is not expected to trigger nonsense-mediated mRNA decay, and removes the last 173 amino acids of the protein. The exact functional impact of these removed amino acids is unknown. While the C-terminal region of the BRIP1 protein has been shown by structural, biochemical, and mutational analysis to be relevant for some aspects of BRIP1 protein function (Gong Z et al. Mol. Cell, 2010 Feb;37:438-46; Leung CC et al. J. Biol. Chem. 2011 Feb; 286(6):4292-301; Xie J et al. PLoS Genet. 2012 Jul; 8(7):e1002786), functional studies have shown that truncations in the 3' terminus of BRIP1 display normal function in response to intra-strand cross-linking agents (Calvo JA et al. Mol Cancer Res, 2021 Jun;19:1015-1025). In addition, 3' truncations in BRIP1 occurring upstream of this variant have been detected in the homozygous or compound heterozygous state in individuals with no reported features of BRIP1-related Fanconi Anemia (FA-J) (Ambry internal data). Based on the available evidence, the clinical significance of this variant remains unclear.

Color Diagnostics, LLC DBA Color Health
Classification: Likely pathogenic for Hereditary cancer-predisposing syndrome. Last evaluated: 2023-04-19. Review status: criteria provided, single submitter. Criteria: ACMG Guidelines, 2015. Collection method: clinical testing. Allele origin: germline.
Comment: This variant changes 1 nucleotide in exon 20 of the BRIP1 gene, creating a premature translation stop signal in the last coding exon. This mutant transcript is predicted to escape nonsense-mediated decay and be expressed as a truncated protein missing the last 173 amino acids from the C-terminus. The truncated protein is expected to disrupt the TopBP1 binding region and an acetylation site in the C-terminus of the BRIP1 protein, which have been reported to play an important role in DNA replication-stress response and maintaining genomic stability (PMID: 20159562, 21127055, 22792074). To our knowledge, this variant has not been reported in individuals affected with BRIP1-related disorders in the literature. This variant has not been identified in the general population by the Genome Aggregation Database (gnomAD). Loss of BRIP1 function is a known mechanism of disease. Based on the available evidence, this variant is classified as Likely Pathogenic.

Literature cited by the submitters: PubMed 20068231 (cited by Ambry Genetics); PubMed 22792074 (cited by Ambry Genetics and Color Diagnostics, LLC DBA Color Health); PubMed 20159562 (cited by Color Diagnostics, LLC DBA Color Health); PubMed 21127055 (cited by Color Diagnostics, LLC DBA Color Health).

NM_032043.3(BRIP1):c.3230T>G (p.Leu1077Ter)

Gene: BRIP1 (BRCA1 interacting DNA helicase 1; minus strand). Cytogenetic location: 17q23.2.
Variant type: single nucleotide variant.
Coding change: c.3230T>G on transcript NM_032043.3 (MANE Select); coding-DNA position 3230, T replaced by G.
Protein change: p.Leu1077Ter; replaces leucine 1077 with a stop codon.
Molecular consequence: nonsense.
Genome position (GRCh38, 1-based): chr17:61,683,816, A>C on the plus strand (T>G on the coding strand, the complement: BRIP1 is on the minus strand). VCF-style: chr17-61683816-A-C. GRCh37 (hg19) VCF-style: chr17-59761177-A-C.
Other names: short protein forms L1077*.
Identifiers: ClinVar variation 530304 (VCV000530304.22), dbSNP rs1420431000, ClinGen allele CA400479223.